The following is an entry in ClinVar:

ClinVar aggregate classification (germline): Uncertain significance. Review status: criteria provided, multiple submitters, no conflicts (2 of 4 stars). 3 submissions from 3 submitters: Uncertain significance (3). Last evaluated 2025-04-13.

Conditions:
Hereditary cancer-predisposing syndrome. Also called: Neoplastic Syndromes, Hereditary; Tumor predisposition; Hereditary neoplastic syndrome; Hereditary Cancer Syndrome. Identifiers: Orphanet 140162, MedGen C0027672, MeSH D009386, MONDO:0015356.
Familial adenomatous polyposis 1 (FAP1). Also called: FAMILIAL ADENOMATOUS POLYPOSIS 1, ATTENUATED; POLYPOSIS, ADENOMATOUS INTESTINAL. Identifiers: MedGen C2713442, MONDO:0021056, OMIM 175100. Disease mechanism: loss of function.

Submissions (3):

Labcorp Genetics (formerly Invitae), Labcorp
Classification: Uncertain significance for Familial adenomatous polyposis 1. Last evaluated: 2025-04-13. Review status: criteria provided, single submitter. Criteria: Invitae Variant Classification Sherloc (09022015). Collection method: clinical testing. Allele origin: germline.
Comment: This sequence change replaces serine, which is neutral and polar, with tyrosine, which is neutral and polar, at codon 2137 of the APC protein (p.Ser2137Tyr). This variant is not present in population databases (gnomAD no frequency). This variant has not been reported in the literature in individuals affected with APC-related conditions. ClinVar contains an entry for this variant (Variation ID: 1352398). Invitae Evidence Modeling of protein sequence and biophysical properties (such as structural, functional, and spatial information, amino acid conservation, physicochemical variation, residue mobility, and thermodynamic stability) has been performed for this missense variant. However, the output from this modeling did not meet the statistical confidence thresholds required to predict the impact of this variant on APC protein function. In summary, the available evidence is currently insufficient to determine the role of this variant in disease. Therefore, it has been classified as a Variant of Uncertain Significance.

Ambry Genetics
Classification: Uncertain significance for Hereditary cancer-predisposing syndrome. Last evaluated: 2023-09-20. Review status: criteria provided, single submitter. Criteria: Ambry Variant Classification Scheme 2023. Collection method: clinical testing. Allele origin: germline.
Comment: The p.S2137Y variant (also known as c.6410C>A), located in coding exon 15 of the APC gene, results from a C to A substitution at nucleotide position 6410. The serine at codon 2137 is replaced by tyrosine, an amino acid with dissimilar properties. This amino acid position is conserved. In addition, in silico predictors for this gene do not accurately predict pathogenicity. Since supporting evidence is limited at this time, the clinical significance of this alteration remains unclear.

Baylor Genetics
Classification: Uncertain significance for Familial adenomatous polyposis 1. Last evaluated: 2023-08-23. Review status: criteria provided, single submitter. Criteria: ACMG Guidelines, 2015. Collection method: clinical testing. Allele origin: unknown.

NM_000038.6(APC):c.6410C>A (p.Ser2137Tyr)

Gene: APC (APC regulator of Wnt signaling pathway; plus strand). Cytogenetic location: 5q22.2.
Variant type: single nucleotide variant.
Coding change: c.6410C>A on transcript NM_000038.6 (MANE Select); coding-DNA position 6410, C replaced by A.
Protein change: p.Ser2137Tyr; replaces serine 2137 with tyrosine.
Molecular consequence: missense variant.
Genome position (GRCh38, 1-based): chr5:112,842,004, C>A. VCF-style: chr5-112842004-C-A. GRCh37 (hg19) VCF-style: chr5-112177701-C-A.
Other names: c.6410C>A (NM_000038.5); c.6410C>A, p.Ser2137Tyr (NM_001127510.3, NM_001354895.2); c.6356C>A, p.Ser2119Tyr (NM_001127511.3); c.6464C>A, p.Ser2155Tyr (NM_001354896.2); c.6440C>A, p.Ser2147Tyr (NM_001354897.2); c.6335C>A, p.Ser2112Tyr (NM_001354898.2); c.6326C>A, p.Ser2109Tyr (NM_001354899.2); c.6287C>A, p.Ser2096Tyr (NM_001354900.2); and 6 more; short protein forms S1854Y, S2046Y, S2078Y, S2096Y, S2109Y, S2112Y, S2119Y, S2147Y.
Identifiers: ClinVar variation 1352398 (VCV001352398.8), dbSNP rs1554087411, ClinGen allele CA16035364.